The following is an entry in ClinVar:

ClinVar aggregate classification (germline): Uncertain significance (1 of 4 stars; one submission).

Conditions:
Hereditary pancreatitis (PCTT). Also called: Hereditary chronic pancreatitis; PRSS1-Related Hereditary Pancreatitis. Identifiers: Orphanet 676, MedGen C0238339, MONDO:0008185, OMIM 167800.

gnomAD v4.1: 2 of 1,613,744 alleles (0.00012%); highest among the groups gnomAD compares: Non-Finnish European, 0.00017%; no homozygotes.

Submission:

Ambry Genetics
Classification: Uncertain significance for Hereditary pancreatitis. Last evaluated: 2024-11-01. Review status: criteria provided, single submitter. Criteria: Ambry Variant Classification Scheme 2023. Collection method: clinical testing. Allele origin: germline.
Comment: The p.Y235S variant (also known as c.704A>C), located in coding exon 5 of the PRSS1 gene, results from an A to C substitution at nucleotide position 704. The tyrosine at codon 235 is replaced by serine, an amino acid with dissimilar properties. This amino acid position is conserved. In addition, this alteration is predicted to be deleterious by in silico analysis. Based on the available evidence, the clinical significance of this variant remains unclear.

NM_002769.5(PRSS1):c.704A>C (p.Tyr235Ser)

Genes: PRSS1 (serine protease 1; plus strand), TRB (T cell receptor beta locus; plus strand). Cytogenetic location: 7q34.
Variant type: single nucleotide variant.
Coding change: c.704A>C on transcript NM_002769.5 (MANE Select); coding-DNA position 704, A replaced by C.
Protein change: p.Tyr235Ser; replaces tyrosine 235 with serine.
Molecular consequence: missense variant. On other transcripts: non-coding transcript variant (5).
Genome position (GRCh38, 1-based): chr7:142,752,980, A>C. VCF-style: chr7-142752980-A-C. GRCh37 (hg19) VCF-style: chr7-142460831-A-C.
Other names: short protein forms Y235S.
Identifiers: ClinVar variation 3426298 (VCV003426298.1).